The following is an entry in ClinVar:

ClinVar aggregate classification (germline): Conflicting classifications of pathogenicity. Review status: criteria provided, conflicting classifications (1 of 4 stars). 5 submissions from 5 submitters: Uncertain significance (4); Likely benign (1). Last evaluated 2026-08-12.

Conditions:
Microcephaly, seizures, and developmental delay. Identifiers: Orphanet 1934, MedGen C3150667, MONDO:0013254, OMIM 613402.
Ataxia - oculomotor apraxia type 4. Identifiers: Orphanet 459033, MedGen C4225397, MONDO:0014557, OMIM 616267.
Inborn genetic diseases. Identifiers: MedGen C0950123, MeSH D030342.
Developmental and epileptic encephalopathy, 12 (DEE12). Identifiers: MedGen C3150988, MONDO:0013389, OMIM 613722.

Allele frequency attached by ClinVar (database versions not stated): TOPMed 0.00003; gnomAD 0.00006.
gnomAD v4.1: 66 of 1,559,340 alleles (0.0042%); highest among the groups gnomAD compares: Middle Eastern, 0.018%; no homozygotes.

Submissions (5):

GeneDx
Classification: Uncertain significance. Last evaluated: 2026-08-12. Review status: criteria provided, single submitter. Criteria: GeneDx Variant Classification Process June 2021. Collection method: clinical testing. Allele origin: germline.
Comment: Not observed at significant frequency in large population cohorts (gnomAD); In silico analysis suggests that this missense variant does not alter protein structure/function; Has not been previously published as pathogenic or benign to our knowledge; This variant is associated with the following publications: (PMID: 22508754)

Labcorp Genetics (formerly Invitae), Labcorp
Classification: Uncertain significance for Developmental and epileptic encephalopathy, 12. Last evaluated: 2025-10-26. Review status: criteria provided, single submitter. Criteria: Invitae Variant Classification Sherloc (09022015). Collection method: clinical testing. Allele origin: germline.
Comment: This sequence change replaces glycine, which is neutral and non-polar, with serine, which is neutral and polar, at codon 335 of the PNKP protein (p.Gly335Ser). This variant is present in population databases (rs768567927, gnomAD 0.008%). This variant has not been reported in the literature in individuals affected with PNKP-related conditions. ClinVar contains an entry for this variant (Variation ID: 582794). Invitae Evidence Modeling of protein sequence and biophysical properties (such as structural, functional, and spatial information, amino acid conservation, physicochemical variation, residue mobility, and thermodynamic stability) indicates that this missense variant is not expected to disrupt PNKP protein function with a negative predictive value of 80%. In summary, the available evidence is currently insufficient to determine the role of this variant in disease. Therefore, it has been classified as a Variant of Uncertain Significance.

Blueprint Genetics
Classification: Likely benign. Last evaluated: 2024-10-10. Review status: criteria provided, single submitter. Criteria: ACMG Guidelines, 2015. Collection method: clinical testing. Allele origin: germline.

Ambry Genetics
Classification: Uncertain significance for Inborn genetic diseases. Last evaluated: 2022-12-27. Review status: criteria provided, single submitter. Criteria: Ambry Variant Classification Scheme 2023. Collection method: clinical testing. Allele origin: germline.

Fulgent Genetics
Classification: Uncertain significance for Microcephaly, seizures, and developmental delay; Ataxia - oculomotor apraxia type 4. Last evaluated: 2018-10-31. Review status: criteria provided, single submitter. Criteria: ACMG Guidelines, 2015. Collection method: clinical testing. Allele origin: unknown.

NM_007254.4(PNKP):c.1003G>A (p.Gly335Ser)

Gene: PNKP (polynucleotide kinase 3'-phosphatase; minus strand). Cytogenetic location: 19q13.33.
Variant type: single nucleotide variant.
Coding change: c.1003G>A on transcript NM_007254.4 (MANE Select); coding-DNA position 1003, G replaced by A.
Protein change: p.Gly335Ser; replaces glycine 335 with serine.
Molecular consequence: missense variant.
Genome position (GRCh38, 1-based): chr19:49,862,397, C>T on the plus strand (G>A on the coding strand, the complement: PNKP is on the minus strand). VCF-style: chr19-49862397-C-T. GRCh37 (hg19) VCF-style: chr19-50365654-C-T.
Other names: c.1003G>A (NM_007254.2); short protein forms G335S.
Identifiers: ClinVar variation 582794 (VCV000582794.13), dbSNP rs768567927, ClinGen allele CA9586665.